The following is an entry in ClinVar:

ClinVar aggregate classification (germline): Uncertain significance (1 of 4 stars; one submission).

gnomAD v4.1: 16 of 1,584,344 alleles (0.001%); highest among the groups gnomAD compares: Non-Finnish European, 0.0013%; no homozygotes.

Submission:

Labcorp Genetics (formerly Invitae), Labcorp
Classification: Uncertain significance. Last evaluated: 2022-10-08. Review status: criteria provided, single submitter. Criteria: Invitae Variant Classification Sherloc (09022015). Collection method: clinical testing. Allele origin: germline.
Comment: This variant is not present in population databases (gnomAD no frequency). This sequence change replaces arginine, which is basic and polar, with leucine, which is neutral and non-polar, at codon 30 of the KRT14 protein (p.Arg30Leu). This variant has not been reported in the literature in individuals affected with KRT14-related conditions. In summary, the available evidence is currently insufficient to determine the role of this variant in disease. Therefore, it has been classified as a Variant of Uncertain Significance. Algorithms developed to predict the effect of missense changes on protein structure and function are either unavailable or do not agree on the potential impact of this missense change (SIFT: "Deleterious"; PolyPhen-2: "Not Available"; Align-GVGD: "Class C0").

NM_000526.5(KRT14):c.89G>T (p.Arg30Leu)

Gene: KRT14 (keratin 14; minus strand). Cytogenetic location: 17q21.2.
Variant type: single nucleotide variant.
Coding change: c.89G>T on transcript NM_000526.5 (MANE Select); coding-DNA position 89, G replaced by T.
Protein change: p.Arg30Leu; replaces arginine 30 with leucine.
Molecular consequence: missense variant.
Genome position (GRCh38, 1-based): chr17:41,586,746, C>A on the plus strand (G>T on the coding strand, the complement: KRT14 is on the minus strand). VCF-style: chr17-41586746-C-A. GRCh37 (hg19) VCF-style: chr17-39742998-C-A.
Other names: short protein forms R30L.
Identifiers: ClinVar variation 1972666 (VCV001972666.5), dbSNP rs756137651, ClinGen allele CA399483601.
Genomic context (GRCh38, chr17:41,586,746, plus strand): 5'-AGGCCGCCCCCGTAGGTGCTGGGGGCGCGGCAGGACCCTCCGGCCAGGACGGAGGAGATG[C>A]GGCTGGAGCCGCCCCCGATGCCGCCCCCGATGCCGCAGGAGCCCTTCATGGAGCTGGAGG-3'
Protein context (NP_000517.3, residues 20-40): IGGGIGGGSS[Arg30Leu]ISSVLAGGSC